The following is an entry in ClinVar:

NM_000170.3(GLDC):c.1261+6T>A

Gene: GLDC (glycine decarboxylase; minus strand). Cytogenetic location: 9p24.1.
Variant type: single nucleotide variant.
Coding change: c.1261+6T>A on transcript NM_000170.3 (MANE Select); 6 bases into the intron after coding-DNA position 1261, T replaced by A.
Molecular consequence: intron variant.
Genome position (GRCh38, 1-based): chr9:6,595,008, A>T on the plus strand (T>A on the coding strand, the complement: GLDC is on the minus strand). VCF-style: chr9-6595008-A-T. GRCh37 (hg19) VCF-style: chr9-6595008-A-T.
Identifiers: ClinVar variation 1463954 (VCV001463954.4), dbSNP rs931422809, ClinGen allele CA188667651.
Genomic context (GRCh38, chr9:6,595,008, plus strand): 5'-TTTCAATTTTACTCAAATTTATCAATTTTATTATGCCCAAATGTTTTAGACAGATTACCA[A>T]CTCACCTTCTGACAAAATCAAAGTGGCATTATGTACCCTCCTAGCAATATGCTCCAGCCC-3'

ClinVar aggregate classification (germline): Uncertain significance. Review status: criteria provided, multiple submitters, no conflicts (2 of 4 stars). 2 submissions from 2 submitters: Uncertain significance (2). Last evaluated 2024-05-15.

Conditions:
Glycine encephalopathy. Also called: Non-ketotic hyperglycinemia; Nonketotic hyperglycinemia. Identifiers: Orphanet 407, MedGen C0751748, MONDO:0011612, HP:0008288.

Allele frequency attached by ClinVar (database versions not stated): TOPMed 0.00001.

Submissions (2):

GeneDx
Classification: Uncertain significance. Last evaluated: 2024-05-15. Review status: criteria provided, single submitter. Criteria: GeneDx Variant Classification Process June 2021. Collection method: clinical testing. Allele origin: germline. Affected: yes.
Comment: Not observed at significant frequency in large population cohorts (gnomAD); In silico analysis indicates that this variant does not alter splicing; Has not been previously published as pathogenic or benign to our knowledge

Labcorp Genetics (formerly Invitae), Labcorp
Classification: Uncertain significance for Glycine encephalopathy. Last evaluated: 2022-07-19. Review status: criteria provided, single submitter. Criteria: Invitae Variant Classification Sherloc (09022015). Collection method: clinical testing. Allele origin: germline.
Comment: This sequence change falls in intron 9 of the GLDC gene. It does not directly change the encoded amino acid sequence of the GLDC protein. It affects a nucleotide within the consensus splice site. This variant is not present in population databases (gnomAD no frequency). This variant has not been reported in the literature in individuals affected with GLDC-related conditions. ClinVar contains an entry for this variant (Variation ID: 1463954). Variants that disrupt the consensus splice site are a relatively common cause of aberrant splicing (PMID: 17576681, 9536098). Algorithms developed to predict the effect of sequence changes on RNA splicing suggest that this variant is not likely to affect RNA splicing. In summary, the available evidence is currently insufficient to determine the role of this variant in disease. Therefore, it has been classified as a Variant of Uncertain Significance.

Literature cited by the submitters: PubMed 17576681 (cited by Labcorp Genetics (formerly Invitae), Labcorp); PubMed 9536098 (cited by Labcorp Genetics (formerly Invitae), Labcorp).